The following is an entry in ClinVar:

ClinVar aggregate classification (germline): Uncertain significance (1 of 4 stars; one submission).

gnomAD v4.1: 1 of 1,612,868 alleles (0.000062%); highest among the groups gnomAD compares: Non-Finnish European, 0.000085%; no homozygotes.

Submission:

GeneDx
Classification: Uncertain significance. Last evaluated: 2025-01-23. Review status: criteria provided, single submitter. Criteria: GeneDx Variant Classification Process June 2021. Collection method: clinical testing. Allele origin: germline. Affected: yes.
Comment: Not observed at significant frequency in large population cohorts (gnomAD); In silico analysis indicates that this missense variant does not alter protein structure/function; Has not been previously published as pathogenic or benign to our knowledge

NM_023110.3(FGFR1):c.1649C>T (p.Ala550Val)

Gene: FGFR1 (fibroblast growth factor receptor 1; minus strand). Cytogenetic location: 8p11.23.
Variant type: single nucleotide variant.
Coding change: c.1649C>T on transcript NM_023110.3 (MANE Select); coding-DNA position 1649, C replaced by T.
Protein change: p.Ala550Val; replaces alanine 550 with valine.
Molecular consequence: missense variant.
Genome position (GRCh38, 1-based): chr8:38,417,320, G>A on the plus strand (C>T on the coding strand, the complement: FGFR1 is on the minus strand). VCF-style: chr8-38417320-G-A. GRCh37 (hg19) VCF-style: chr8-38274838-G-A.
Other names: c.1643C>T, p.Ala548Val (NM_001174063.2, NM_001174065.2, NM_001354367.2 and 1 more transcripts); c.1619C>T, p.Ala540Val (NM_001174064.2); c.1382C>T, p.Ala461Val (NM_001174066.2, NM_023105.3); c.1742C>T, p.Ala581Val (NM_001174067.2); c.1370C>T, p.Ala457Val (NM_001354368.2); c.1637C>T, p.Ala546Val (NM_001354369.2, NM_001410922.1); c.1376C>T, p.Ala459Val (NM_001354370.2, NM_023106.3); short protein forms A457V, A459V, A461V, A540V, A546V, A548V, A550V, A581V.
Identifiers: ClinVar variation 4071822 (VCV004071822.1).